The following is an entry in ClinVar:

NM_006302.3(MOGS):c.1245C>G (p.Ile415Met)

Gene: MOGS (mannosyl-oligosaccharide glucosidase; minus strand). Cytogenetic location: 2p13.1.
Variant type: single nucleotide variant.
Coding change: c.1245C>G on transcript NM_006302.3 (MANE Select); coding-DNA position 1245, C replaced by G.
Protein change: p.Ile415Met; replaces isoleucine 415 with methionine.
Molecular consequence: missense variant.
Genome position (GRCh38, 1-based): chr2:74,462,544, G>C on the plus strand (C>G on the coding strand, the complement: MOGS is on the minus strand). VCF-style: chr2-74462544-G-C. GRCh37 (hg19) VCF-style: chr2-74689671-G-C.
Other names: c.1245C>G, p.Ile415Met (LRG_1226t1); c.927C>G, p.Ile309Met (NM_001146158.2); short protein forms I415M, I309M.
Identifiers: ClinVar variation 382459 (VCV000382459.15), dbSNP rs34838944, ClinGen allele CA1724819.

ClinVar aggregate classification (germline): Benign/Likely benign. Review status: criteria provided, multiple submitters, no conflicts (2 of 4 stars). 5 submissions from 5 submitters: Benign (4); Likely benign (1). Last evaluated 2026-01-26.

Conditions:
MOGS-congenital disorder of glycosylation. Also called: CDG IIb; CDG 2B; MOGS-CDG; GLUCOSIDASE I DEFICIENCY. Identifiers: Orphanet 79330, MedGen C1853736, MONDO:0011629, OMIM 606056.

Allele frequency attached by ClinVar (database versions not stated): 1000 Genomes Project 0.00958; gnomAD 0.00990 and 0.01053; ESP Exome Variant Server 0.01025; 1000 Genomes Project 30x 0.01077; TOPMed 0.01092.

Submissions (5):

Labcorp Genetics (formerly Invitae), Labcorp
Classification: Benign for MOGS-congenital disorder of glycosylation. Last evaluated: 2026-01-26. Review status: criteria provided, single submitter. Criteria: Invitae Variant Classification Sherloc (09022015). Collection method: clinical testing. Allele origin: germline.

Women's Health and Genetics/Laboratory Corporation of America, LabCorp
Classification: Likely benign. Last evaluated: 2026-01-22. Review status: criteria provided, single submitter. Criteria: LabCorp Variant Classification Summary - May 2015. Collection method: clinical testing. Allele origin: germline.

ARUP Laboratories, Molecular Genetics and Genomics, ARUP Laboratories
Classification: Benign for MOGS-congenital disorder of glycosylation. Last evaluated: 2025-03-13. Review status: criteria provided, single submitter. Criteria: ARUP Molecular Germline Variant Investigation Process 2024. Collection method: clinical testing. Allele origin: germline.

GeneDx
Classification: Benign. Last evaluated: 2016-04-21. Review status: criteria provided, single submitter. Criteria: GeneDx Variant Classification (06012015). Collection method: clinical testing. Allele origin: germline. Affected: yes.
Comment: This variant is considered likely benign or benign based on one or more of the following criteria: it is a conservative change, it occurs at a poorly conserved position in the protein, it is predicted to be benign by multiple in silico algorithms, and/or has population frequency not consistent with disease.

Breakthrough Genomics
Classification: Benign. Review status: criteria provided, single submitter. Criteria: ACMG Guidelines, 2015. Collection method: not provided. Allele origin: germline. Inheritance: Autosomal recessive inheritance. Affected: yes.